The following is an entry in ClinVar:

ClinVar aggregate classification (germline): Uncertain significance (1 of 4 stars; one submission).

Submission:

GeneDx
Classification: Uncertain significance. Last evaluated: 2024-09-25. Review status: criteria provided, single submitter. Criteria: GeneDx Variant Classification Process June 2021. Collection method: clinical testing. Allele origin: germline. Affected: yes.
Comment: Not observed at significant frequency in large population cohorts (gnomAD); In silico analysis supports that this missense variant has a deleterious effect on protein structure/function; Has not been previously published as pathogenic or benign to our knowledge

NM_001271.4(CHD2):c.4597C>G (p.Leu1533Val)

Gene: CHD2 (chromodomain helicase DNA binding protein 2; plus strand). Cytogenetic location: 15q26.1.
Variant type: single nucleotide variant.
Coding change: c.4597C>G on transcript NM_001271.4 (MANE Select); coding-DNA position 4597, C replaced by G.
Protein change: p.Leu1533Val; replaces leucine 1533 with valine.
Molecular consequence: missense variant.
Genome position (GRCh38, 1-based): chr15:93,012,349, C>G. VCF-style: chr15-93012349-C-G. GRCh37 (hg19) VCF-style: chr15-93555579-C-G.
Other names: short protein forms L1533V.
Identifiers: ClinVar variation 3774696 (VCV003774696.1).